The following is an entry in ClinVar:

ClinVar aggregate classification (germline): Benign (3 of 4 stars; one submission).

Conditions:
Breast-ovarian cancer, familial, susceptibility to, 1 (BROVCA1). Also called: BRCA1 Hereditary Breast and Ovarian Cancer; OVARIAN CANCER, SUSCEPTIBILITY TO. Identifiers: Orphanet 145, MedGen C2676676, MONDO:0011450, OMIM 604370. Disease mechanism: loss of function.

Allele frequency attached by ClinVar (database versions not stated): gnomAD 0.00899 and 0.00965; TOPMed 0.01054; 1000 Genomes Project 0.01058; 1000 Genomes Project 30x 0.01156.
gnomAD v4.1: 1,354 of 151,932 alleles (0.89%); highest among the groups gnomAD compares: African/African-American, 3.1%; 18 homozygotes.

Submission:

Evidence-based Network for the Interpretation of Germline Mutant Alleles (ENIGMA)
Classification: Benign for Breast-ovarian cancer, familial 1. Last evaluated: 2015-01-12. Review status: reviewed by expert panel. Criteria: ENIGMA BRCA1/2 Classification Criteria (2015). Collection method: curation. Allele origin: germline.
Comment: Class 1 not pathogenic based on frequency >1% in an outbred sampleset. Frequency 0.06301 (African), derived from 1000 genomes (2012-04-30).

NM_007294.4(BRCA1):c.135-3552C>T

Gene: BRCA1 (BRCA1 DNA repair associated; minus strand). Cytogenetic location: 17q21.31.
Variant type: single nucleotide variant.
Coding change: c.135-3552C>T on transcript NM_007294.4 (MANE Select); 3552 bases into the intron before coding-DNA position 135, C replaced by T.
Molecular consequence: intron variant.
Genome position (GRCh38, 1-based): chr17:43,110,085, G>A on the plus strand (C>T on the coding strand, the complement: BRCA1 is on the minus strand). VCF-style: chr17-43110085-G-A. GRCh37 (hg19) VCF-style: chr17-41262102-G-A.
Other names: IVS 3-3552C>T; c.135-3552C>T (NM_001408401.1, NM_001408396.1, NM_001407985.1 and 167 more transcripts); c.-55+380C>T (NM_001408492.1, NM_001407900.1); c.-8+380C>T (NM_001408468.1, NM_001407842.1, NM_001407749.1 and 14 more transcripts); c.-55+2402C>T (NM_001407889.1); c.-8+2402C>T (NM_001407695.1); c.-7-3552C>T (NM_001407846.1, NM_001407726.1, NM_001408503.1 and 81 more transcripts); c.-54-3552C>T (NM_001408513.1, NM_001407899.1, NM_001408507.1 and 55 more transcripts); and 6 more.
Identifiers: ClinVar variation 209506 (VCV000209506.2), dbSNP rs8176119, ClinGen allele CA276476.